The following is an entry in ClinVar:

ClinVar aggregate classification (germline): Uncertain significance (1 of 4 stars; one submission).

Allele frequency attached by ClinVar (database versions not stated): gnomAD exomes below 0.00001; gnomAD 0.00001; TOPMed 0.00001; ExAC 0.00002; ESP Exome Variant Server 0.00008; 1000 Genomes Project 30x 0.00016; 1000 Genomes Project 0.00020.
gnomAD v4.1: 5 of 1,613,550 alleles (0.00031%); highest among the groups gnomAD compares: African/African-American, 0.0013%; no homozygotes.

Submission:

Labcorp Genetics (formerly Invitae), Labcorp
Classification: Uncertain significance. Last evaluated: 2022-07-06. Review status: criteria provided, single submitter. Criteria: Invitae Variant Classification Sherloc (09022015). Collection method: clinical testing. Allele origin: germline.
Comment: In summary, the available evidence is currently insufficient to determine the role of this variant in disease. Therefore, it has been classified as a Variant of Uncertain Significance. Advanced modeling of protein sequence and biophysical properties (such as structural, functional, and spatial information, amino acid conservation, physicochemical variation, residue mobility, and thermodynamic stability) performed at Invitae indicates that this missense variant is not expected to disrupt SLC6A19 protein function. This sequence change replaces glutamic acid, which is acidic and polar, with aspartic acid, which is acidic and polar, at codon 165 of the SLC6A19 protein (p.Glu165Asp). This variant is present in population databases (rs201694226, gnomAD 0.0009%). This variant has not been reported in the literature in individuals affected with SLC6A19-related conditions.

NM_001003841.3(SLC6A19):c.495G>C (p.Glu165Asp)

Gene: SLC6A19 (solute carrier family 6 member 19; plus strand). Cytogenetic location: 5p15.33.
Variant type: single nucleotide variant.
Coding change: c.495G>C on transcript NM_001003841.3 (MANE Select); coding-DNA position 495, G replaced by C.
Protein change: p.Glu165Asp; replaces glutamic acid 165 with aspartic acid.
Molecular consequence: missense variant.
Genome position (GRCh38, 1-based): chr5:1,212,316, G>C. VCF-style: chr5-1212316-G-C. GRCh37 (hg19) VCF-style: chr5-1212431-G-C.
Other names: short protein forms E165D.
Identifiers: ClinVar variation 1957564 (VCV001957564.5), dbSNP rs201694226, ClinGen allele CA3182745.